The following is an entry in ClinVar:

NM_000257.4(MYH7):c.2593A>G (p.Lys865Glu)

Genes: MYH7 (myosin heavy chain 7; minus strand), LOC126861898 (BRD4-independent group 4 enhancer GRCh37_chr14:23893609-23894808; plus strand). Cytogenetic location: 14q11.2.
Variant type: single nucleotide variant.
Coding change: c.2593A>G on transcript NM_000257.4 (MANE Select); coding-DNA position 2593, A replaced by G.
Protein change: p.Lys865Glu; replaces lysine 865 with glutamic acid.
Molecular consequence: missense variant.
Genome position (GRCh38, 1-based): chr14:23,424,855, T>C on the plus strand (A>G on the coding strand, the complement: MYH7 is on the minus strand). VCF-style: chr14-23424855-T-C. GRCh37 (hg19) VCF-style: chr14-23894064-T-C.
Other names: p.K865E:AAG>GAG; NM_000257.4(MYH7):c.2593A>G; p.Lys865Glu; c.2593A>G (LRG_384t1); short protein forms K865E.
Identifiers: ClinVar variation 181195 (VCV000181195.18), dbSNP rs730880749, ClinGen allele CA012685.

ClinVar aggregate classification (germline): Likely pathogenic. Review status: reviewed by expert panel (3 of 4 stars). 6 submissions from 6 submitters: Likely pathogenic (1). 5 of the submissions do not count toward it. Last evaluated 2021-03-22.

Conditions:
Congenital myopathy with fiber type disproportion. Also called: Congenital fiber-type disproportion; Congenital fiber-type disproportion myopathy. Identifiers: Orphanet 2020, MedGen C0546264, MONDO:0009711. Inheritance: all.
MYH7-related skeletal myopathy. Also called: Laing early-onset distal myopathy; MYOPATHY, DISTAL, EARLY-ONSET, AUTOSOMAL DOMINANT; MYOPATHY, LATE DISTAL HEREDITARY; Laing distal myopathy; Myopathy, distal, 1. Identifiers: Orphanet 59135, MedGen C4552004, MONDO:0008050, OMIM 160500.
Myosin storage myopathy (CMYO7A). Also called: MYH7-related late-onset scapuloperoneal muscular dystrophy; Congenital myopathy 7A, myosin storage, autosomal dominant; MYOPATHY, HYALINE BODY, AUTOSOMAL DOMINANT; Scapuloperoneal myopathy, MYH7-related; SCAPULOPERONEAL MUSCULAR DYSTROPHY; SCAPULOPERONEAL SYNDROME, MYOPATHIC TYPE. Identifiers: Orphanet 437572, Orphanet 636965, MedGen C1842160, MONDO:0008409, OMIM 608358.
Dilated cardiomyopathy 1S (CMD1S). Identifiers: Orphanet 154, Orphanet 54260, MedGen C1834481, MONDO:0013262, OMIM 613426.
Hypertrophic cardiomyopathy 1 (CMH1). Also called: Familial hypertrophic cardiomyopathy 1; MYH7-Related Familial Hypertrophic Cardiomyopathy. Identifiers: MedGen C3495498, MONDO:0008647, OMIM 192600.
Myopathy, myosin storage, autosomal recessive (CMYO7B). Also called: CONGENITAL MYOPATHY 7B, MYOSIN STORAGE, AUTOSOMAL RECESSIVE. Identifiers: Orphanet 636970, MedGen C1850709, MONDO:0009708, OMIM 255160.
Cardiovascular phenotype. Identifiers: MedGen CN230736.
Hypertrophic cardiomyopathy. Also called: HYPERTROPHIC MYOCARDIOPATHY. Identifiers: Orphanet 217569, MedGen C0007194, MeSH D002312, MONDO:0005045, HP:0001639.

Submissions (6):

ClinGen Cardiomyopathy Variant Curation Expert Panel
Classification: Likely pathogenic for Hypertrophic cardiomyopathy. Last evaluated: 2021-03-22. Review status: reviewed by expert panel. Criteria: ClinGen CMP ACMG Specifications v1. Collection method: curation. Allele origin: germline. Inheritance: Autosomal dominant inheritance.
Comment: The c.2593A>G (p.Lys865Glu) variant in MYH7 has been identified in 4 individuals with HCM (PS4_Supporting; Homburger 2016 PMID:27247418; GeneDx pers. comm., Invitae pers. comm.). This variant segregated with HCM in 5 affected relatives from 2 families (PP1_Moderate; GeneDx, pers. comm., Invitae pers. comm.). This variant was absent from large population studies (PM2). This variant lies in the head region of the protein (aa 181-937) and missense variants in this region are statistically more likely to be disease-associated (PM1; Walsh 2017 PMID:27532257). Computational prediction tools and conservation analysis do not provide strong support for or against an impact to the protein. In summary, this variant meets criteria to be classified as likely pathogenic for hypertrophic cardiomyopathy in an autosomal dominant manner. MYH7-specific ACMG/AMP criteria applied (Kelly 2018 PMID:29300372): PS4_Supporting; PP1_Moderate; PM2; PM1

Ambry Genetics
Classification: Likely pathogenic for Cardiovascular phenotype. Last evaluated: 2024-11-13. Review status: criteria provided, single submitter. Criteria: Ambry Variant Classification Scheme 2023. Collection method: clinical testing. Allele origin: germline. Not counted in ClinVar's aggregate classification.
Comment: The p.K865E variant (also known as c.2593A>G), located in coding exon 20 of the MYH7 gene, results from an A to G substitution at nucleotide position 2593. The lysine at codon 865 is replaced by glutamic acid, an amino acid with similar properties. This alteration is located in the myosin head domain, which contains a statistically significant clustering of pathogenic missense variants (Homburger JR et al. Proc Natl Acad Sci U S A, 2016 06;113:6701-6; Walsh R et al. Genet Med, 2017 02;19:192-203; Ambry internal data). This variant was identified in one or more individuals with features consistent with hypertrophic cardiomyopathy (HCM) and segregated with disease in at least one family (Ho CY et al. Circulation, 2018 Oct;138:1387-1398; Harper AR et al. Nat Genet, 2021 Feb;53:135-142; Oktay V et al. Anatol J Cardiol, 2023 Nov;27:628-638; external communications). This variant is considered to be rare based on population cohorts in the Genome Aggregation Database (gnomAD). This amino acid position is highly conserved in available vertebrate species. In addition, the in silico prediction for this alteration is inconclusive. Based on the majority of available evidence to date, this variant is likely to be pathogenic.

Labcorp Genetics (formerly Invitae), Labcorp
Classification: Pathogenic for Hypertrophic cardiomyopathy. Last evaluated: 2022-10-01. Review status: criteria provided, single submitter. Criteria: Invitae Variant Classification Sherloc (09022015). Collection method: clinical testing. Allele origin: germline. Not counted in ClinVar's aggregate classification.
Comment: This missense change has been observed in individual(s) with hypertrophic cardiomyopathy (PMID: 27247418; Invitae). It has also been observed to segregate with disease in related individuals. ClinVar contains an entry for this variant (Variation ID: 181195). Advanced modeling of protein sequence and biophysical properties (such as structural, functional, and spatial information, amino acid conservation, physicochemical variation, residue mobility, and thermodynamic stability) performed at Invitae indicates that this missense variant is expected to disrupt MYH7 protein function. This variant is found within a region of MYH7 between codons 181 and 937 that contains the majority of the myosin head domain. Missense variants in this region have been shown to be significantly overrepresented in individuals with hypertrophic cardiomyopathy (PMID: 27532257). For these reasons, this variant has been classified as Pathogenic. This variant is not present in population databases (gnomAD no frequency). This sequence change replaces lysine, which is basic and polar, with glutamic acid, which is acidic and polar, at codon 865 of the MYH7 protein (p.Lys865Glu).

Fulgent Genetics
Classification: Likely pathogenic for MYH7-related skeletal myopathy; Myosin storage myopathy; Hypertrophic cardiomyopathy 1; Myopathy, myosin storage, autosomal recessive; Congenital myopathy 4A, autosomal dominant; Dilated cardiomyopathy 1S. Last evaluated: 2022-02-17. Review status: criteria provided, single submitter. Criteria: ACMG Guidelines, 2015. Collection method: clinical testing. Allele origin: unknown. Not counted in ClinVar's aggregate classification.

GeneDx
Classification: Likely pathogenic. Last evaluated: 2018-12-18. Review status: criteria provided, single submitter. Criteria: GeneDx Variant Classification (06012015). Collection method: clinical testing. Allele origin: germline. Affected: yes. Not counted in ClinVar's aggregate classification.
Comment: The K865E variant in the MYH7 gene has not been reported as a disease-causing mutation or as a benign polymorphism to our knowledge. K865E is a non-conservative amino acid substitution as these residues differ in polarity, charge, size and/or other properties and is more likely to impact secondary structure. The K865 residue is conserved across mammal species, and in silico analysis predicts K865E is damaging to the protein structure/function. Mutations in the same residue (K865R) and in nearby residues (A862V, S866P, S866Y, A868P) have been reported in association with HCM, further supporting the functional importance of this region of the protein. Additionally, the K865E variant was not observed in approximately 6500 individuals of European and African American ancestry in the NHLBI Exome Sequencing Project, indicating it is not a common benign variant in these populations. In summary, K865E is a good candidate for a disease-causing mutation. The variant is found in HCM panel(s).

Stanford Center for Inherited Cardiovascular Disease, Stanford University
Classification: Uncertain significance. Last evaluated: 2014-04-29. Review status: criteria provided, single submitter. Criteria: ACMG Guidelines, 2015. Collection method: provider interpretation. Allele origin: germline. Not counted in ClinVar's aggregate classification.

Literature cited by the submitters: PubMed 27247418 (cited by 3 submitters); PubMed 30297972 (cited by Ambry Genetics); PubMed 33495597 (cited by Ambry Genetics); PubMed 37466024 (cited by Ambry Genetics); PubMed 27532257 (cited by Labcorp Genetics (formerly Invitae), Labcorp).